The following is an entry in ClinVar:

NM_000146.4(FTL):c.193C>T (p.Arg65Cys)

Gene: FTL (ferritin light chain; plus strand). Cytogenetic location: 19q13.33.
Variant type: single nucleotide variant.
Coding change: c.193C>T on transcript NM_000146.4 (MANE Select); coding-DNA position 193, C replaced by T.
Protein change: p.Arg65Cys; replaces arginine 65 with cysteine.
Molecular consequence: missense variant.
Genome position (GRCh38, 1-based): chr19:48,965,860, C>T. VCF-style: chr19-48965860-C-T. GRCh37 (hg19) VCF-style: chr19-49469117-C-T.
Other names: short protein forms R65C.
Identifiers: ClinVar variation 2498789 (VCV002498789.28), dbSNP rs774004322, ClinGen allele CA9562464.

ClinVar aggregate classification (germline): Uncertain significance (1 of 4 stars; one submission).

Allele frequency attached by ClinVar (database versions not stated): ExAC 0.00001.

Submission:

CeGaT Center for Human Genetics Tuebingen
Classification: Uncertain significance. Last evaluated: 2023-03-01. Review status: criteria provided, single submitter. Criteria: CeGaT Center For Human Genetics Tuebingen Variant Classification Criteria Version 2. Collection method: clinical testing. Allele origin: germline. Affected: yes. Observed: 1 variant allele.
Comment: FTL: PM2:Supporting, BP4